The following is an entry in ClinVar:

ClinVar aggregate classification (germline): Uncertain significance (1 of 4 stars; one submission).

gnomAD v4.1: 2 of 1,614,000 alleles (0.00012%); highest among the groups gnomAD compares: South Asian, 0.0011%; no homozygotes.

Submission:

GeneDx
Classification: Uncertain significance. Last evaluated: 2024-06-17. Review status: criteria provided, single submitter. Criteria: GeneDx Variant Classification Process June 2021. Collection method: clinical testing. Allele origin: germline. Affected: yes.
Comment: Not observed at significant frequency in large population cohorts (gnomAD); In silico analysis supports that this missense variant has a deleterious effect on protein structure/function; Has not been previously published as pathogenic or benign to our knowledge

NM_023110.3(FGFR1):c.1777G>A (p.Glu593Lys)

Gene: FGFR1 (fibroblast growth factor receptor 1; minus strand). Cytogenetic location: 8p11.23.
Variant type: single nucleotide variant.
Coding change: c.1777G>A on transcript NM_023110.3 (MANE Select); coding-DNA position 1777, G replaced by A.
Protein change: p.Glu593Lys; replaces glutamic acid 593 with lysine.
Molecular consequence: missense variant.
Genome position (GRCh38, 1-based): chr8:38,415,947, C>T on the plus strand (G>A on the coding strand, the complement: FGFR1 is on the minus strand). VCF-style: chr8-38415947-C-T. GRCh37 (hg19) VCF-style: chr8-38273465-C-T.
Other names: c.1771G>A, p.Glu591Lys (NM_001174063.2, NM_001174065.2, NM_001354367.2 and 1 more transcripts); c.1747G>A, p.Glu583Lys (NM_001174064.2); c.1510G>A, p.Glu504Lys (NM_001174066.2, NM_023105.3); c.1870G>A, p.Glu624Lys (NM_001174067.2); c.1498G>A, p.Glu500Lys (NM_001354368.2); c.1765G>A, p.Glu589Lys (NM_001354369.2, NM_001410922.1); c.1504G>A, p.Glu502Lys (NM_001354370.2, NM_023106.3); short protein forms E500K, E502K, E504K, E583K, E589K, E591K, E593K, E624K.
Identifiers: ClinVar variation 3391576 (VCV003391576.1).